The following is an entry in ClinVar:

ClinVar aggregate classification (germline): Likely pathogenic (1 of 4 stars; one submission).

Conditions:
NEK1-related disorder. Also called: NEK1-related condition.

gnomAD v4.1: 5 of 1,600,982 alleles (0.00031%); highest among the groups gnomAD compares: Non-Finnish European, 0.00043%; no homozygotes.

Submission:

PreventionGenetics, part of Exact Sciences
Classification: Likely pathogenic for NEK1-related condition. Last evaluated: 2025-03-19. Review status: criteria provided, single submitter. Criteria: ACMG Guidelines, 2015. Collection method: clinical testing. Allele origin: germline.
Comment: The NEK1 c.2891-2A>T variant is predicted to disrupt the AG splice acceptor site and interfere with normal splicing. To our knowledge, this variant has not been reported in the literature. This variant is reported in 0.00089% of alleles in individuals of European (non-Finnish) descent in gnomAD. Variants that disrupt the consensus splice acceptor site in NEK1 are expected to be pathogenic. This variant is interpreted as likely pathogenic.

NM_001199397.3(NEK1):c.2975-2A>T

Gene: NEK1 (NIMA related kinase 1; minus strand). Cytogenetic location: 4q33.
Variant type: single nucleotide variant.
Coding change: c.2975-2A>T on transcript NM_001199397.3 (MANE Select); the canonical splice acceptor site of the intron before coding-DNA position 2975, A replaced by T.
Molecular consequence: splice acceptor variant.
Genome position (GRCh38, 1-based): chr4:169,424,802, T>A on the plus strand (A>T on the coding strand, the complement: NEK1 is on the minus strand). VCF-style: chr4-169424802-T-A. GRCh37 (hg19) VCF-style: chr4-170345953-T-A.
Other names: c.2138-2A>T (NM_001440625.1); c.2270-2A>T (NM_001440624.1); c.2492-2A>T (NM_001374421.1); c.2840-2A>T (NM_001374420.1); c.2684-2A>T (NM_001199399.3); c.2582-2A>T (NM_001440623.1); c.2666-2A>T (NM_001440622.1); c.2843-2A>T (NM_001199398.3); and 5 more.
Identifiers: ClinVar variation 4990432 (VCV004990432.1).